The following is an entry in ClinVar:

NM_144687.4(NLRP12):c.2215C>T (p.His739Tyr)

Gene: NLRP12 (NLR family pyrin domain containing 12; minus strand). Cytogenetic location: 19q13.42.
Variant type: single nucleotide variant.
Coding change: c.2215C>T on transcript NM_144687.4 (MANE Select); coding-DNA position 2215, C replaced by T.
Protein change: p.His739Tyr; replaces histidine 739 with tyrosine.
Molecular consequence: missense variant.
Genome position (GRCh38, 1-based): chr19:53,807,523, G>A on the plus strand (C>T on the coding strand, the complement: NLRP12 is on the minus strand). VCF-style: chr19-53807523-G-A. GRCh37 (hg19) VCF-style: chr19-54310777-G-A.
Other names: c.2218C>T, p.His740Tyr (NM_001277126.2); c.2215C>T, p.His739Tyr (NM_001277129.1); short protein forms H739Y, H740Y.
Identifiers: ClinVar variation 4766692 (VCV004766692.1).

ClinVar aggregate classification (germline): Uncertain significance (1 of 4 stars; one submission).

Conditions:
Familial cold autoinflammatory syndrome 2 (FCAS2). Identifiers: Orphanet 247868, MedGen C2673198, MONDO:0012724, OMIM 611762.

gnomAD v4.1: 5 of 1,614,094 alleles (0.00031%); highest among the groups gnomAD compares: Admixed American, 0.0033%; no homozygotes.

Submission:

Labcorp Genetics (formerly Invitae), Labcorp
Classification: Uncertain significance for Familial cold autoinflammatory syndrome 2. Last evaluated: 2025-04-13. Review status: criteria provided, single submitter. Criteria: Invitae Variant Classification Sherloc (09022015). Collection method: clinical testing. Allele origin: germline.
Comment: This sequence change replaces histidine, which is basic and polar, with tyrosine, which is neutral and polar, at codon 739 of the NLRP12 protein (p.His739Tyr). This variant is present in population databases (no rsID available, gnomAD 0.006%). This variant has not been reported in the literature in individuals affected with NLRP12-related conditions. An algorithm developed to predict the effect of missense changes on protein structure and function (PolyPhen-2) suggests that this variant is likely to be disruptive. In summary, the available evidence is currently insufficient to determine the role of this variant in disease. Therefore, it has been classified as a Variant of Uncertain Significance.